The following is an entry in ClinVar:

NM_032444.4(SLX4):c.4686G>T (p.Pro1562=)

Gene: SLX4 (SLX4 structure-specific endonuclease subunit; minus strand). Cytogenetic location: 16p13.3.
Variant type: single nucleotide variant.
Coding change: c.4686G>T on transcript NM_032444.4 (MANE Select); coding-DNA position 4686, G replaced by T.
Protein change: p.Pro1562=; no amino-acid change (proline 1562 retained).
Molecular consequence: synonymous variant.
Genome position (GRCh38, 1-based): chr16:3,584,822, C>A on the plus strand (G>T on the coding strand, the complement: SLX4 is on the minus strand). VCF-style: chr16-3584822-C-A. GRCh37 (hg19) VCF-style: chr16-3634823-C-A.
Other names: c.4686G>T (NM_032444.3).
Identifiers: ClinVar variation 698994 (VCV000698994.17), dbSNP rs752013105, ClinGen allele CA7865549.

ClinVar aggregate classification (germline): Likely benign. Review status: criteria provided, multiple submitters, no conflicts (2 of 4 stars). 5 submissions from 5 submitters: Likely benign (4). 1 of the submissions does not count toward it. Last evaluated 2025-12-17.

Conditions:
SLX4-related disorder. Also called: SLX4-related condition.
Fanconi anemia (FA). Also called: Fanconi's anemia. Identifiers: Orphanet 84, MedGen C0015625, MeSH D005199, MONDO:0019391.

Allele frequency attached by ClinVar (database versions not stated): ExAC 0.00001; gnomAD 0.00003; TOPMed 0.00004.

Submissions (5):

Labcorp Genetics (formerly Invitae), Labcorp
Classification: Likely benign for Fanconi anemia. Last evaluated: 2025-12-17. Review status: criteria provided, single submitter. Criteria: Invitae Variant Classification Sherloc (09022015). Collection method: clinical testing. Allele origin: germline.

CeGaT Center for Human Genetics Tuebingen
Classification: Likely benign. Last evaluated: 2025-11-01. Review status: criteria provided, single submitter. Criteria: CeGaT Center For Human Genetics Tuebingen Variant Classification Criteria Version 2. Collection method: clinical testing. Allele origin: germline. Affected: yes. Observed: 1 variant allele.
Comment: SLX4: BP4, BP7

Sema4
Classification: Likely benign for Fanconi anemia. Last evaluated: 2021-12-25. Review status: criteria provided, single submitter. Criteria: Sema4 Curation Guidelines. Collection method: curation. Allele origin: germline.

Blueprint Genetics
Classification: Likely benign. Last evaluated: 2021-05-31. Review status: criteria provided, single submitter. Criteria: ACMG Guidelines, 2015. Collection method: clinical testing. Allele origin: germline.

PreventionGenetics, part of Exact Sciences
Classification: Likely benign for SLX4-related condition. Last evaluated: 2019-08-28. Review status: no assertion criteria provided. Collection method: clinical testing. Allele origin: germline. Not counted in ClinVar's aggregate classification.
Comment: This variant is classified as likely benign based on ACMG/AMP sequence variant interpretation guidelines (Richards et al. 2015 PMID: 25741868, with internal and published modifications).